The following is an entry in ClinVar:

ClinVar aggregate classification (germline): Uncertain significance (1 of 4 stars; one submission).

Conditions:
Familial cold autoinflammatory syndrome 2 (FCAS2). Identifiers: Orphanet 247868, MedGen C2673198, MONDO:0012724, OMIM 611762.

gnomAD v4.1: 1 of 1,613,892 alleles (0.000062%); highest among the groups gnomAD compares: Non-Finnish European, 0.000085%; no homozygotes.

Submission:

Labcorp Genetics (formerly Invitae), Labcorp
Classification: Uncertain significance for Familial cold autoinflammatory syndrome 2. Last evaluated: 2025-06-18. Review status: criteria provided, single submitter. Criteria: Invitae Variant Classification Sherloc (09022015). Collection method: clinical testing. Allele origin: germline.
Comment: This sequence change replaces leucine, which is neutral and non-polar, with phenylalanine, which is neutral and non-polar, at codon 299 of the NLRP12 protein (p.Leu299Phe). This variant is present in population databases (no rsID available, gnomAD 0.007%). This variant has not been reported in the literature in individuals affected with NLRP12-related conditions. Invitae Evidence Modeling of protein sequence and biophysical properties (such as structural, functional, and spatial information, amino acid conservation, physicochemical variation, residue mobility, and thermodynamic stability) indicates that this missense variant is expected to disrupt NLRP12 protein function with a positive predictive value of 80%. In summary, the available evidence is currently insufficient to determine the role of this variant in disease. Therefore, it has been classified as a Variant of Uncertain Significance.

NM_144687.4(NLRP12):c.895C>T (p.Leu299Phe)

Gene: NLRP12 (NLR family pyrin domain containing 12; minus strand). Cytogenetic location: 19q13.42.
Variant type: single nucleotide variant.
Coding change: c.895C>T on transcript NM_144687.4 (MANE Select); coding-DNA position 895, C replaced by T.
Protein change: p.Leu299Phe; replaces leucine 299 with phenylalanine.
Molecular consequence: missense variant.
Genome position (GRCh38, 1-based): chr19:53,810,764, G>A on the plus strand (C>T on the coding strand, the complement: NLRP12 is on the minus strand). VCF-style: chr19-53810764-G-A. GRCh37 (hg19) VCF-style: chr19-54314018-G-A.
Other names: c.895C>T, p.Leu299Phe (NM_001277126.2, NM_001277129.1); short protein forms L299F.
Identifiers: ClinVar variation 4744752 (VCV004744752.1).